The following is an entry in ClinVar:

ClinVar aggregate classification (germline): Uncertain significance (1 of 4 stars; one submission).

Submission:

GeneDx
Classification: Uncertain significance. Last evaluated: 2024-06-07. Review status: criteria provided, single submitter. Criteria: GeneDx Variant Classification Process June 2021. Collection method: clinical testing. Allele origin: germline. Affected: yes.
Comment: Not observed at significant frequency in large population cohorts (gnomAD); In silico analysis supports that this missense variant has a deleterious effect on protein structure/function; Has not been previously published as pathogenic or benign to our knowledge; This variant is associated with the following publications: (PMID: 36358773)

NM_031407.7(HUWE1):c.11993G>A (p.Arg3998His)

Gene: HUWE1 (HECT, UBA and WWE domain containing E3 ubiquitin protein ligase 1; minus strand). Cytogenetic location: Xp11.22.
Variant type: single nucleotide variant.
Coding change: c.11993G>A on transcript NM_031407.7 (MANE Select); coding-DNA position 11993, G replaced by A.
Protein change: p.Arg3998His; replaces arginine 3998 with histidine.
Molecular consequence: missense variant.
Genome position (GRCh38, 1-based): chrX:53,538,340, C>T on the plus strand (G>A on the coding strand, the complement: HUWE1 is on the minus strand). VCF-style: chrX-53538340-C-T. GRCh37 (hg19) VCF-style: chrX-53565301-C-T.
Other names: short protein forms R3998H.
Identifiers: ClinVar variation 3390670 (VCV003390670.1).